The following is an entry in ClinVar:

NM_002075.4(GNB3):c.641G>A (p.Arg214Gln)

Gene: GNB3 (G protein subunit beta 3; plus strand). Cytogenetic location: 12p13.31.
Variant type: single nucleotide variant.
Coding change: c.641G>A on transcript NM_002075.4 (MANE Select); coding-DNA position 641, G replaced by A.
Protein change: p.Arg214Gln; replaces arginine 214 with glutamine.
Molecular consequence: missense variant.
Genome position (GRCh38, 1-based): chr12:6,843,920, G>A. VCF-style: chr12-6843920-G-A. GRCh37 (hg19) VCF-style: chr12-6953084-G-A.
Other names: c.638G>A, p.Arg213Gln (NM_001297571.2); short protein forms R214Q, R213Q.
Identifiers: ClinVar variation 1370482 (VCV001370482.6), dbSNP rs1943627181, ClinGen allele CA383673589.

ClinVar aggregate classification (germline): Uncertain significance (1 of 4 stars; one submission).

Allele frequency attached by ClinVar (database versions not stated): TOPMed below 0.00001.
gnomAD v4.1: 11 of 1,613,918 alleles (0.00068%); highest among the groups gnomAD compares: East Asian, 0.0022%; no homozygotes.

Submission:

Labcorp Genetics (formerly Invitae), Labcorp
Classification: Uncertain significance. Last evaluated: 2022-11-08. Review status: criteria provided, single submitter. Criteria: Invitae Variant Classification Sherloc (09022015). Collection method: clinical testing. Allele origin: germline.
Comment: This sequence change replaces arginine, which is basic and polar, with glutamine, which is neutral and polar, at codon 214 of the GNB3 protein (p.Arg214Gln). This variant is not present in population databases (gnomAD no frequency). This variant has not been reported in the literature in individuals affected with GNB3-related conditions. ClinVar contains an entry for this variant (Variation ID: 1370482). Advanced modeling of protein sequence and biophysical properties (such as structural, functional, and spatial information, amino acid conservation, physicochemical variation, residue mobility, and thermodynamic stability) performed at Invitae indicates that this missense variant is expected to disrupt GNB3 protein function. In summary, the available evidence is currently insufficient to determine the role of this variant in disease. Therefore, it has been classified as a Variant of Uncertain Significance.